The following is an entry in ClinVar:

ClinVar aggregate classification (germline): Uncertain significance (1 of 4 stars; one submission).

Conditions:
Hypertrophic cardiomyopathy. Also called: HYPERTROPHIC MYOCARDIOPATHY. Identifiers: Orphanet 217569, MedGen C0007194, MeSH D002312, MONDO:0005045, HP:0001639.

Submission:

Labcorp Genetics (formerly Invitae), Labcorp
Classification: Uncertain significance for Hypertrophic cardiomyopathy. Last evaluated: 2022-07-09. Review status: criteria provided, single submitter. Criteria: Invitae Variant Classification Sherloc (09022015). Collection method: clinical testing. Allele origin: germline.
Comment: This sequence change replaces valine, which is neutral and non-polar, with alanine, which is neutral and non-polar, at codon 241 of the MYBPC3 protein (p.Val241Ala). This variant is not present in population databases (gnomAD no frequency). This variant has not been reported in the literature in individuals affected with MYBPC3-related conditions. ClinVar contains an entry for this variant (Variation ID: 1495395). Algorithms developed to predict the effect of missense changes on protein structure and function (SIFT, PolyPhen-2, Align-GVGD) all suggest that this variant is likely to be disruptive. In summary, the available evidence is currently insufficient to determine the role of this variant in disease. Therefore, it has been classified as a Variant of Uncertain Significance.

NM_000256.3(MYBPC3):c.722T>C (p.Val241Ala)

Gene: MYBPC3 (myosin binding protein C3; minus strand). Cytogenetic location: 11p11.2.
Variant type: single nucleotide variant.
Coding change: c.722T>C on transcript NM_000256.3 (MANE Select); coding-DNA position 722, T replaced by C.
Protein change: p.Val241Ala; replaces valine 241 with alanine.
Molecular consequence: missense variant.
Genome position (GRCh38, 1-based): chr11:47,348,474, A>G on the plus strand (T>C on the coding strand, the complement: MYBPC3 is on the minus strand). VCF-style: chr11-47348474-A-G. GRCh37 (hg19) VCF-style: chr11-47370025-A-G.
Other names: short protein forms V241A.
Identifiers: ClinVar variation 1495395 (VCV001495395.8), dbSNP rs1595848896, ClinGen allele CA380335812.